The following is an entry in ClinVar:

ClinVar aggregate classification (germline): Uncertain significance. Review status: criteria provided, multiple submitters, no conflicts (2 of 4 stars). 2 submissions from 2 submitters: Uncertain significance (2). Last evaluated 2024-10-05.

Conditions:
Hypertrophic cardiomyopathy. Also called: HYPERTROPHIC MYOCARDIOPATHY. Identifiers: Orphanet 217569, MedGen C0007194, MeSH D002312, MONDO:0005045, HP:0001639.

Allele frequency attached by ClinVar (database versions not stated): ExAC 0.00001; gnomAD exomes below 0.00001.
gnomAD v4.1: 1 of 1,611,880 alleles (0.000062%); highest among the groups gnomAD compares: Non-Finnish European, 0.000085%; no homozygotes.

Submissions (2):

Labcorp Genetics (formerly Invitae), Labcorp
Classification: Uncertain significance for Hypertrophic cardiomyopathy. Last evaluated: 2024-10-05. Review status: criteria provided, single submitter. Criteria: Invitae Variant Classification Sherloc (09022015). Collection method: clinical testing. Allele origin: germline.
Comment: This sequence change replaces lysine, which is basic and polar, with glutamine, which is neutral and polar, at codon 1403 of the MYOM1 protein (p.Lys1403Gln). This variant is present in population databases (rs779356078, gnomAD 0.0009%). This variant has not been reported in the literature in individuals affected with MYOM1-related conditions. ClinVar contains an entry for this variant (Variation ID: 410243). Invitae Evidence Modeling of protein sequence and biophysical properties (such as structural, functional, and spatial information, amino acid conservation, physicochemical variation, residue mobility, and thermodynamic stability) indicates that this missense variant is not expected to disrupt MYOM1 protein function with a negative predictive value of 80%. In summary, the available evidence is currently insufficient to determine the role of this variant in disease. Therefore, it has been classified as a Variant of Uncertain Significance.

Ambry Genetics
Classification: Uncertain significance. Last evaluated: 2024-02-16. Review status: criteria provided, single submitter. Criteria: Ambry Variant Classification Scheme 2023. Collection method: clinical testing. Allele origin: germline.
Comment: The p.K1403Q variant (also known as c.4207A>C), located in coding exon 29 of the MYOM1 gene, results from an A to C substitution at nucleotide position 4207. The lysine at codon 1403 is replaced by glutamine, an amino acid with similar properties. This amino acid position is conserved. In addition, this alteration is predicted to be tolerated by in silico analysis. Since supporting evidence is limited at this time, the clinical significance of this alteration remains unclear.

NM_003803.4(MYOM1):c.4207A>C (p.Lys1403Gln)

Gene: MYOM1 (myomesin 1; minus strand). Cytogenetic location: 18p11.31.
Variant type: single nucleotide variant.
Coding change: c.4207A>C on transcript NM_003803.4 (MANE Select); coding-DNA position 4207, A replaced by C.
Protein change: p.Lys1403Gln; replaces lysine 1403 with glutamine.
Molecular consequence: missense variant.
Genome position (GRCh38, 1-based): chr18:3,086,082, T>G on the plus strand (A>C on the coding strand, the complement: MYOM1 is on the minus strand). VCF-style: chr18-3086082-T-G. GRCh37 (hg19) VCF-style: chr18-3086080-T-G.
Other names: c.3919A>C, p.Lys1307Gln (NM_019856.2); short protein forms K1403Q, K1307Q.
Identifiers: ClinVar variation 410243 (VCV000410243.10), dbSNP rs779356078, ClinGen allele CA8874018.
Genomic context (GRCh38, chr18:3,086,082, plus strand): 5'-ATTTATAATCGCCTACCTCTGTTATAAGCAGGGTACATATACCATCCTTAAAGTCATGCT[T>G]TTCATCCACTGATATCTCCCTCTCATCTTTGTACCACACAATATGAGTCTCCTTCTTAAT-3'
Protein context (NP_003794.3, residues 1393-1413): KDEREISVDE[Lys1403Gln]HDFKDGICTL